The following is an entry in ClinVar:

NM_030665.4(RAI1):c.4927G>C (p.Asp1643His)

Gene: RAI1 (retinoic acid induced 1; plus strand). Cytogenetic location: 17p11.2.
Variant type: single nucleotide variant.
Coding change: c.4927G>C on transcript NM_030665.4 (MANE Select); coding-DNA position 4927, G replaced by C.
Protein change: p.Asp1643His; replaces aspartic acid 1643 with histidine.
Molecular consequence: missense variant.
Genome position (GRCh38, 1-based): chr17:17,797,875, G>C. VCF-style: chr17-17797875-G-C. GRCh37 (hg19) VCF-style: chr17-17701189-G-C.
Other names: short protein forms D1643H.
Identifiers: ClinVar variation 2635683 (VCV002635683.6), dbSNP rs745508744, ClinGen allele CA8419067.

ClinVar aggregate classification (germline): Benign. Review status: criteria provided, single submitter (1 of 4 stars). 2 submissions from 2 submitters: Benign (1). 1 of the submissions does not count toward it. Last evaluated 2024-10-24.

Conditions:
RAI1-related disorder. Also called: RAI1-related condition.

Allele frequency attached by ClinVar (database versions not stated): TOPMed below 0.00001; ExAC 0.00001; gnomAD 0.00001; gnomAD exomes 0.00001.
gnomAD v4.1: 19 of 1,613,768 alleles (0.0012%); highest among the groups gnomAD compares: Non-Finnish European, 0.0016%; no homozygotes.

Submissions (2):

Labcorp Genetics (formerly Invitae), Labcorp
Classification: Benign. Last evaluated: 2024-10-24. Review status: criteria provided, single submitter. Criteria: Invitae Variant Classification Sherloc (09022015). Collection method: clinical testing. Allele origin: germline.

PreventionGenetics, part of Exact Sciences
Classification: Uncertain significance for RAI1-related condition. Last evaluated: 2024-01-30. Review status: no assertion criteria provided. Collection method: clinical testing. Allele origin: germline. Not counted in ClinVar's aggregate classification.
Comment: The RAI1 c.4927G>C variant is predicted to result in the amino acid substitution p.Asp1643His. To our knowledge, this variant has not been reported in the literature. This variant is reported in 0.00088% of alleles in individuals of European (Non-Finnish) descent in gnomAD. At this time, the clinical significance of this variant is uncertain due to the absence of conclusive functional and genetic evidence.